The following is an entry in ClinVar:

NM_001100913.3(PACS2):c.2515G>A (p.Asp839Asn)

Gene: PACS2 (phosphofurin acidic cluster sorting protein 2; plus strand). Cytogenetic location: 14q32.33.
Variant type: single nucleotide variant.
Coding change: c.2515G>A on transcript NM_001100913.3 (MANE Select); coding-DNA position 2515, G replaced by A.
Protein change: p.Asp839Asn; replaces aspartic acid 839 with asparagine.
Molecular consequence: missense variant.
Genome position (GRCh38, 1-based): chr14:105,393,254, G>A. VCF-style: chr14-105393254-G-A. GRCh37 (hg19) VCF-style: chr14-105859591-G-A.
Other names: c.2245G>A, p.Asp749Asn (NM_001243127.3); c.2470G>A, p.Asp824Asn (NM_015197.4); short protein forms D749N, D824N, D839N.
Identifiers: ClinVar variation 2695175 (VCV002695175.3), dbSNP rs2081422877, ClinGen allele CA391189292.

ClinVar aggregate classification (germline): Uncertain significance (1 of 4 stars; one submission).

Submission:

Labcorp Genetics (formerly Invitae), Labcorp
Classification: Uncertain significance. Last evaluated: 2024-02-20. Review status: criteria provided, single submitter. Criteria: Invitae Variant Classification Sherloc (09022015). Collection method: clinical testing. Allele origin: germline.
Comment: This sequence change replaces aspartic acid, which is acidic and polar, with asparagine, which is neutral and polar, at codon 839 of the PACS2 protein (p.Asp839Asn). This variant is not present in population databases (gnomAD no frequency). This variant has not been reported in the literature in individuals affected with PACS2-related conditions. Advanced modeling of protein sequence and biophysical properties (such as structural, functional, and spatial information, amino acid conservation, physicochemical variation, residue mobility, and thermodynamic stability) performed at Invitae indicates that this missense variant is expected to disrupt PACS2 protein function with a positive predictive value of 80%. In summary, the available evidence is currently insufficient to determine the role of this variant in disease. Therefore, it has been classified as a Variant of Uncertain Significance.